The following is an entry in ClinVar:

NM_020975.6(RET):c.1666T>G (p.Ser556Ala)

Gene: RET (ret proto-oncogene; plus strand). Cytogenetic location: 10q11.21.
Variant type: single nucleotide variant.
Coding change: c.1666T>G on transcript NM_020975.6 (MANE Select); coding-DNA position 1666, T replaced by G.
Protein change: p.Ser556Ala; replaces serine 556 with alanine.
Molecular consequence: missense variant.
Genome position (GRCh38, 1-based): chr10:43,112,870, T>G. VCF-style: chr10-43112870-T-G. GRCh37 (hg19) VCF-style: chr10-43608318-T-G.
Other names: c.1666T>G, p.Ser556Ala (NM_001406760.1, NM_001406763.1, NM_001406765.1 and 6 more transcripts); c.1537T>G, p.Ser513Ala (NM_001406761.1, NM_001406762.1, NM_001406764.1 and 1 more transcripts); c.1378T>G, p.Ser460Ala (NM_001406766.1, NM_001406767.1, NM_001406770.1); c.769T>G, p.Ser257Ala (NM_001406779.1, NM_001406780.1, NM_001406781.1 and 3 more transcripts); c.640T>G, p.Ser214Ala (NM_001406783.1, NM_001406786.1); c.676T>G, p.Ser226Ala (NM_001406784.1); c.481T>G, p.Ser161Ala (NM_001406788.1, NM_001406789.1, NM_001406790.1 and 1 more transcripts); c.217T>G, p.Ser73Ala (NM_001406792.1, NM_001406793.1, NM_001406794.1); and 5 more; short protein forms S161A, S214A, S226A, S257A, S302A, S314A, S381A, S410A.
Identifiers: ClinVar variation 1720474 (VCV001720474.6), dbSNP rs2538470382, ClinGen allele CA376551801.

ClinVar aggregate classification (germline): Uncertain significance. Review status: criteria provided, multiple submitters, no conflicts (2 of 4 stars). 2 submissions from 2 submitters: Uncertain significance (2). Last evaluated 2026-07-07.

Conditions:
Hereditary cancer-predisposing syndrome. Also called: Tumor predisposition; Hereditary neoplastic syndrome; Neoplastic Syndromes, Hereditary; Hereditary Cancer Syndrome. Identifiers: Orphanet 140162, MedGen C0027672, MeSH D009386, MONDO:0015356.
Multiple endocrine neoplasia, type 2 (MEN2). Identifiers: Orphanet 653, MedGen C4048306, MONDO:0019003. Disease mechanism: gain of function.

Submissions (2):

Ambry Genetics
Classification: Uncertain significance for Hereditary cancer-predisposing syndrome. Last evaluated: 2026-07-07. Review status: criteria provided, single submitter. Criteria: Ambry Variant Classification Scheme 2023. Collection method: clinical testing. Allele origin: germline.
Comment: The p.S556A variant (also known as c.1666T>G), located in coding exon 9 of the RET gene, results from a T to G substitution at nucleotide position 1666. The serine at codon 556 is replaced by alanine, an amino acid with similar properties. This amino acid position is conserved. In addition, the in silico prediction for this alteration is inconclusive. Based on the available evidence, the clinical significance of this variant remains unclear.

Labcorp Genetics (formerly Invitae), Labcorp
Classification: Uncertain significance for Multiple endocrine neoplasia, type 2. Last evaluated: 2022-09-27. Review status: criteria provided, single submitter. Criteria: Invitae Variant Classification Sherloc (09022015). Collection method: clinical testing. Allele origin: germline.
Comment: This sequence change replaces serine, which is neutral and polar, with alanine, which is neutral and non-polar, at codon 556 of the RET protein (p.Ser556Ala). In summary, the available evidence is currently insufficient to determine the role of this variant in disease. Therefore, it has been classified as a Variant of Uncertain Significance. Algorithms developed to predict the effect of missense changes on protein structure and function are either unavailable or do not agree on the potential impact of this missense change (SIFT: "Tolerated"; PolyPhen-2: "Probably Damaging"; Align-GVGD: "Class C0"). This variant has not been reported in the literature in individuals affected with RET-related conditions. This variant is not present in population databases (gnomAD no frequency).